The following is an entry in ClinVar:

ClinVar aggregate classification (germline): Pathogenic (1 of 4 stars; one submission).

Conditions:
Primary ciliary dyskinesia. Also called: Ciliary dyskinesia. Identifiers: Orphanet 244, MedGen C0008780, MONDO:0016575, HP:0012265.

Submission:

Labcorp Genetics (formerly Invitae), Labcorp
Classification: Pathogenic for Primary ciliary dyskinesia. Last evaluated: 2021-12-11. Review status: criteria provided, single submitter. Criteria: Invitae Variant Classification Sherloc (09022015). Collection method: clinical testing. Allele origin: germline.
Comment: For these reasons, this variant has been classified as Pathogenic. This variant has not been reported in the literature in individuals affected with DNAH11-related conditions. This variant is not present in population databases (gnomAD no frequency). This sequence change creates a premature translational stop signal (p.Glu4313Asnfs*15) in the DNAH11 gene. It is expected to result in an absent or disrupted protein product. Loss-of-function variants in DNAH11 are known to be pathogenic (PMID: 18022865, 20513915, 22184204).

Literature cited by the submitters: PubMed 18022865; PubMed 20513915; PubMed 22184204.

NC_000007.14:g.21894887del

Gene: DNAH11 (dynein axonemal heavy chain 11; plus strand). Cytogenetic location: 7p15.3.
Variant type: Deletion.
Genome position: GRCh38 VCF-style: chr7-21894882-AG-A. GRCh37 (hg19) VCF-style: chr7-21934500-AG-A.
Identifiers: ClinVar variation 1451183 (VCV001451183.6), dbSNP rs2128049034, ClinGen allele CA2573142026.
Genomic context (GRCh38, chr7:21,894,882, plus strand): 5'-GCTATAGTAGACTTCAGCACATTGGAAGATATTCACTGTGTGGCTTTTTTTCTCCATGCA[AG>A]GGGGAATTGGCATTATCTCCTGCTGTGGAAGCCCAGCAGTTTGCATTGAGTTATGACACG-3'